The following is an entry in ClinVar:

NM_022089.4(ATP13A2):c.2724G>A (p.Ser908=)

Gene: ATP13A2 (ATPase cation transporting 13A2; minus strand). Cytogenetic location: 1p36.13.
Variant type: single nucleotide variant.
Coding change: c.2724G>A on transcript NM_022089.4 (MANE Select); coding-DNA position 2724, G replaced by A.
Protein change: p.Ser908=; no amino-acid change (serine 908 retained).
Molecular consequence: synonymous variant.
Genome position (GRCh38, 1-based): chr1:16,988,360, C>T on the plus strand (G>A on the coding strand, the complement: ATP13A2 is on the minus strand). VCF-style: chr1-16988360-C-T. GRCh37 (hg19) VCF-style: chr1-17314855-C-T.
Other names: c.2709G>A, p.Ser903= (NM_001141973.3); c.2592G>A, p.Ser864= (NM_001141974.3).
Identifiers: ClinVar variation 128467 (VCV000128467.54), dbSNP rs79724242, ClinGen allele CA151950.

ClinVar aggregate classification (germline): Benign/Likely benign. Review status: criteria provided, multiple submitters, no conflicts (2 of 4 stars). 9 submissions from 9 submitters: Benign (2); Likely benign (7). Last evaluated 2026-01-20.

Conditions:
Kufor-Rakeb syndrome (KRS). Also called: PARKINSON DISEASE 9, AUTOSOMAL RECESSIVE, JUVENILE-ONSET. Identifiers: Orphanet 306674, Orphanet 314632, MedGen C1847640, MONDO:0011706, OMIM 606693.
Autosomal recessive spastic paraplegia type 78. Identifiers: Orphanet 513436, MedGen C5567893, MONDO:0014975, OMIM 617225.
Inborn genetic diseases. Identifiers: MedGen C0950123, MeSH D030342.

Allele frequency attached by ClinVar (database versions not stated): ExAC 0.00087; ESP Exome Variant Server 0.00284; 1000 Genomes Project 0.00300; 1000 Genomes Project 30x 0.00312; gnomAD 0.00319 and 0.00341; TOPMed 0.00349.
gnomAD v4.1: 1,024 of 1,614,150 alleles (0.063%); highest among the groups gnomAD compares: African/African-American, 1.1%; 8 homozygotes.

Submissions (9):

Labcorp Genetics (formerly Invitae), Labcorp
Classification: Benign for Kufor-Rakeb syndrome; Autosomal recessive spastic paraplegia type 78. Last evaluated: 2026-01-20. Review status: criteria provided, single submitter. Criteria: Invitae Variant Classification Sherloc (09022015). Collection method: clinical testing. Allele origin: germline.

Blueprint Genetics
Classification: Likely benign. Last evaluated: 2024-11-05. Review status: criteria provided, single submitter. Criteria: ACMG Guidelines, 2015. Collection method: clinical testing. Allele origin: germline.

CeGaT Center for Human Genetics Tuebingen
Classification: Benign. Last evaluated: 2023-05-01. Review status: criteria provided, single submitter. Criteria: CeGaT Center For Human Genetics Tuebingen Variant Classification Criteria Version 2. Collection method: clinical testing. Allele origin: germline. Affected: yes. Observed: 1 variant allele.
Comment: ATP13A2: BP4, BP7, BS1, BS2

GeneDx
Classification: Likely benign. Last evaluated: 2020-09-14. Review status: criteria provided, single submitter. Criteria: GeneDx Variant Classification Process June 2021. Collection method: clinical testing. Allele origin: germline. Affected: yes.

Eurofins Ntd Llc (ga)
Classification: Likely benign. Last evaluated: 2018-08-13. Review status: criteria provided, single submitter. Criteria: EGL ClinVar v180209 classification definitions. Collection method: clinical testing. Allele origin: germline. Observed: 1 variant allele, 1 heterozygote.

Illumina Laboratory Services, Illumina
Classification: Likely benign for Kufor-Rakeb syndrome. Last evaluated: 2018-01-12. Review status: criteria provided, single submitter. Criteria: ICSL Variant Classification Criteria 13 December 2019. Collection method: clinical testing. Allele origin: germline.
Comment: This variant was observed in the ICSL laboratory as part of a predisposition screen in an ostensibly healthy population. It had not been previously curated by ICSL or reported in the Human Gene Mutation Database (HGMD: prior to June 1st, 2018), and was therefore a candidate for classification through an automated scoring system. Utilizing variant allele frequency, disease prevalence and penetrance estimates, and inheritance mode, an automated score was calculated to assess if this variant is too frequent to cause the disease. Based on the score and internal cut-off values, a variant classified as likely benign is not then subjected to further curation. The score for this variant resulted in a classification of likely benign for this disease.

Ambry Genetics
Classification: Likely benign for Inborn genetic diseases. Last evaluated: 2016-09-06. Review status: criteria provided, single submitter. Criteria: Ambry Variant Classification Scheme 2023. Collection method: clinical testing. Allele origin: germline.

Genetic Services Laboratory, University of Chicago
Classification: Likely benign for AllHighlyPenetrant. Last evaluated: 2013-12-02. Review status: criteria provided, single submitter. Criteria: ACMG Guidelines, 2007. Collection method: clinical testing. Allele origin: germline. Inheritance: Autosomal recessive inheritance.

Breakthrough Genomics
Classification: Likely benign. Review status: criteria provided, single submitter. Criteria: ACMG Guidelines, 2015. Collection method: not provided. Allele origin: germline. Inheritance: Autosomal recessive inheritance. Affected: yes.